The following is an entry in ClinVar:

NM_007129.5(ZIC2):c.1021_1028del (p.Gly341fs)

Gene: ZIC2 (Zic family zinc finger 2; plus strand). Cytogenetic location: 13q32.3.
Variant type: Deletion.
Coding change: c.1021_1028del on transcript NM_007129.5 (MANE Select); coding-DNA positions 1021 to 1028, 8 bases deleted (GGCAAAGT; older notation c.1021_1028delGGCAAAGT).
Protein change: p.Gly341fs; shifts the reading frame from glycine 341.
Molecular consequence: frameshift variant.
Genome position (GRCh38, 1-based): chr13:99,983,085-99,983,092, GGCAAAGT deleted; deleting any 8 consecutive bases within chr13:99,983,083-99,983,092 gives the same sequence; the c. name uses the placement nearest the transcript's 3' end. VCF-style (leftmost placement, unchanged base first): chr13-99983082-TGTGGCAAA-T. GRCh37 (hg19) VCF-style: chr13-100635336-TGTGGCAAA-T.
Other names: short protein forms G341fs.
Identifiers: ClinVar variation 4813448 (VCV004813448.1).

ClinVar aggregate classification (germline): Likely pathogenic (1 of 4 stars; one submission).

Conditions:
Holoprosencephaly 5 (HPE5). Identifiers: Orphanet 2162, MedGen C1864827, MONDO:0012322, OMIM 609637.

Submission:

MVZ Praenatalmedizin und Genetik Nuernberg
Classification: Likely pathogenic for Holoprosencephaly 5. Last evaluated: 2025-08-20. Review status: criteria provided, single submitter. Criteria: ACMG Guidelines, 2015. Collection method: clinical testing. Allele origin: de novo. Affected: yes.
Comment: This very rare variant (gnomAD v4: 0 alleles) has not yet been described in ClinVar and in the literature. This variant leads to a frameshift in exon 1 and a premature stop codon and is therefore considered pathogenic due to loss of function. Accordingly in ClinVar upstream and downstream loss-of-function variants in this gene are also listed as likely pathogenic or pathogenic.